The following is an entry in ClinVar:

ClinVar aggregate classification (germline): Uncertain significance (1 of 4 stars; one submission).

Allele frequency attached by ClinVar (database versions not stated): gnomAD exomes below 0.00001; TOPMed below 0.00001.
gnomAD v4.1: 1 of 1,613,724 alleles (0.000062%); highest among the groups gnomAD compares: Non-Finnish European, 0.000085%; no homozygotes.

Submission:

Labcorp Genetics (formerly Invitae), Labcorp
Classification: Uncertain significance. Last evaluated: 2023-05-24. Review status: criteria provided, single submitter. Criteria: Invitae Variant Classification Sherloc (09022015). Collection method: clinical testing. Allele origin: germline.
Comment: In summary, the available evidence is currently insufficient to determine the role of this variant in disease. Therefore, it has been classified as a Variant of Uncertain Significance. Advanced modeling of protein sequence and biophysical properties (such as structural, functional, and spatial information, amino acid conservation, physicochemical variation, residue mobility, and thermodynamic stability) performed at Invitae indicates that this missense variant is not expected to disrupt MMP14 protein function. This variant has not been reported in the literature in individuals affected with MMP14-related conditions. This variant is not present in population databases (gnomAD no frequency). This sequence change replaces alanine, which is neutral and non-polar, with valine, which is neutral and non-polar, at codon 444 of the MMP14 protein (p.Ala444Val).

NM_004995.4(MMP14):c.1331C>T (p.Ala444Val)

Gene: MMP14 (matrix metallopeptidase 14; plus strand). Cytogenetic location: 14q11.2.
Variant type: single nucleotide variant.
Coding change: c.1331C>T on transcript NM_004995.4 (MANE Select); coding-DNA position 1331, C replaced by T.
Protein change: p.Ala444Val; replaces alanine 444 with valine.
Molecular consequence: missense variant.
Genome position (GRCh38, 1-based): chr14:22,845,280, C>T. VCF-style: chr14-22845280-C-T. GRCh37 (hg19) VCF-style: chr14-23314489-C-T.
Other names: short protein forms A444V.
Identifiers: ClinVar variation 2777935 (VCV002777935.3), dbSNP rs2039804230, ClinGen allele CA388933927.